The following is an entry in ClinVar:

NM_002519.3(NPAT):c.1826C>G (p.Ser609Cys)

Gene: NPAT (nuclear protein, coactivator of histone transcription; minus strand). Cytogenetic location: 11q22.3.
Variant type: single nucleotide variant.
Coding change: c.1826C>G on transcript NM_002519.3 (MANE Select); coding-DNA position 1826, C replaced by G.
Protein change: p.Ser609Cys; replaces serine 609 with cysteine.
Molecular consequence: missense variant.
Genome position (GRCh38, 1-based): chr11:108,173,158, G>C on the plus strand (C>G on the coding strand, the complement: NPAT is on the minus strand). VCF-style: chr11-108173158-G-C. GRCh37 (hg19) VCF-style: chr11-108043885-G-C.
Other names: c.1826C>G, p.Ser609Cys (NM_001321307.1); short protein forms S609C.
Identifiers: ClinVar variation 2496656 (VCV002496656.5), dbSNP rs369058502, ClinGen allele CA228384292.

ClinVar aggregate classification (germline): Uncertain significance. Review status: criteria provided, multiple submitters, no conflicts (2 of 4 stars). 2 submissions from 2 submitters: Uncertain significance (2). Last evaluated 2025-03-30.

Allele frequency attached by ClinVar (database versions not stated): gnomAD exomes below 0.00001; gnomAD 0.00007; TOPMed 0.00006.
gnomAD v4.1: 24 of 1,613,554 alleles (0.0015%); highest among the groups gnomAD compares: African/African-American, 0.016%; no homozygotes.

Submissions (2):

Labcorp Genetics (formerly Invitae), Labcorp
Classification: Uncertain significance. Last evaluated: 2025-03-30. Review status: criteria provided, single submitter. Criteria: Invitae Variant Classification Sherloc (09022015). Collection method: clinical testing. Allele origin: germline.
Comment: This sequence change replaces serine, which is neutral and polar, with cysteine, which is neutral and slightly polar, at codon 609 of the NPAT protein (p.Ser609Cys). This variant is present in population databases (rs369058502, gnomAD 0.01%). This variant has not been reported in the literature in individuals affected with NPAT-related conditions. ClinVar contains an entry for this variant (Variation ID: 2496656). An algorithm developed to predict the effect of missense changes on protein structure and function (PolyPhen-2) suggests that this variant is likely to be tolerated. In summary, the available evidence is currently insufficient to determine the role of this variant in disease. Therefore, it has been classified as a Variant of Uncertain Significance.

Ambry Genetics
Classification: Uncertain significance. Last evaluated: 2023-01-31. Review status: criteria provided, single submitter. Criteria: Ambry Variant Classification Scheme 2023. Collection method: clinical testing. Allele origin: germline.
Comment: The p.S609C variant (also known as c.1826C>G), located in coding exon 13 of the NPAT gene, results from a C to G substitution at nucleotide position 1826. The serine at codon 609 is replaced by cysteine, an amino acid with dissimilar properties. This amino acid position is conserved. In addition, this alteration is predicted to be tolerated by in silico analysis. Since supporting evidence is limited at this time, the clinical significance of this alteration remains unclear.